The following is an entry in ClinVar:

NM_001042492.3(NF1):c.8113+1G>A

Gene: NF1 (neurofibromin 1; plus strand). Cytogenetic location: 17q11.2.
Variant type: single nucleotide variant.
Coding change: c.8113+1G>A on transcript NM_001042492.3 (MANE Select); the canonical splice donor site of the intron after coding-DNA position 8113, G replaced by A.
Molecular consequence: splice donor variant.
Genome position (GRCh38, 1-based): chr17:31,358,623, G>A. VCF-style: chr17-31358623-G-A. GRCh37 (hg19) VCF-style: chr17-29685641-G-A.
Other names: c.8050+1G>A (NM_000267.4).
Identifiers: ClinVar variation 5025547 (VCV005025547.1).

ClinVar aggregate classification (germline): Likely pathogenic (1 of 4 stars; one submission).

Conditions:
Cardiovascular phenotype. Identifiers: MedGen CN230736.
Hereditary cancer-predisposing syndrome. Also called: Neoplastic Syndromes, Hereditary; Tumor predisposition; Hereditary neoplastic syndrome; Hereditary Cancer Syndrome. Identifiers: Orphanet 140162, MedGen C0027672, MeSH D009386, MONDO:0015356.

gnomAD v4.1: 1 of 1,613,952 alleles (0.000062%); highest among the groups gnomAD compares: East Asian, 0.0022%; no homozygotes.

Submission:

Ambry Genetics
Classification: Likely pathogenic for Cardiovascular phenotype; Hereditary cancer-predisposing syndrome. Last evaluated: 2026-07-09. Review status: criteria provided, single submitter. Criteria: Ambry Variant Classification Scheme 2023. Collection method: clinical testing. Allele origin: germline.
Comment: The c.8050+1G>A intronic variant results from a G to A substitution one nucleotide(s) after coding exon 54 of the NF1 gene. Other variant(s) impacting the same donor site (c.8050+1G>T) have been identified in individual(s) with features consistent with Neurofibromatosis type 1 (Ambry internal data). This nucleotide position is highly conserved in available vertebrate species. In silico splice site analysis predicts that this alteration will weaken the native splice donor site. Variants that disrupt the canonical splice site are expected to cause aberrant splicing, resulting in an abnormal protein or a transcript that is subject to nonsense-mediated mRNA decay. As such, this variant is classified as likely pathogenic.